The following is an entry in ClinVar:

ClinVar aggregate classification (germline): Uncertain significance (1 of 4 stars; one submission).

gnomAD v4.1: 1 of 1,128,804 alleles (0.000089%); no homozygotes.

Submission:

GeneDx
Classification: Uncertain significance. Last evaluated: 2026-03-06. Review status: criteria provided, single submitter. Criteria: GeneDx Variant Classification Process June 2021. Collection method: clinical testing. Allele origin: germline.
Comment: Not observed at significant frequency in large population cohorts (gnomAD); In silico analysis suggests that this missense variant does not alter protein structure/function; Has not been previously published as pathogenic or benign to our knowledge

NM_001128228.3(TPRN):c.227G>A (p.Gly76Glu)

Gene: TPRN (taperin; minus strand). Cytogenetic location: 9q34.3.
Variant type: single nucleotide variant.
Coding change: c.227G>A on transcript NM_001128228.3 (MANE Select); coding-DNA position 227, G replaced by A.
Protein change: p.Gly76Glu; replaces glycine 76 with glutamic acid.
Molecular consequence: missense variant.
Genome position (GRCh38, 1-based): chr9:137,200,485, C>T on the plus strand (G>A on the coding strand, the complement: TPRN is on the minus strand). VCF-style: chr9-137200485-C-T. GRCh37 (hg19) VCF-style: chr9-140094937-C-T.
Other names: short protein forms G76E.
Identifiers: ClinVar variation 5008349 (VCV005008349.1).